The following is an entry in ClinVar:

ClinVar aggregate classification (germline): Uncertain significance (1 of 4 stars; one submission).

Conditions:
Hereditary spastic paraplegia 11. Also called: SPASTIC PARAPLEGIA, AUTOSOMAL RECESSIVE, COMPLICATED, WITH THIN CORPUS CALLOSUM; SPASTIC PARAPLEGIA, AUTOSOMAL RECESSIVE, WITH MENTAL IMPAIRMENT AND THIN CORPUS CALLOSUM; Nakamura Osame syndrome; Autosomal recessive hereditary spastic paraplegia, mental impairment, and thin corpus callosum; Spastic paraplegia, mental retardation and thin corpus callosum; Spastic Paraplegia 11. Identifiers: Orphanet 2822, MedGen C1858479, MONDO:0011445, OMIM 604360.

Allele frequency attached by ClinVar (database versions not stated): ExAC 0.00002; gnomAD exomes 0.00002; TOPMed 0.00002.
gnomAD v4.1: 33 of 1,614,006 alleles (0.002%); highest among the groups gnomAD compares: African/African-American, 0.0027%; no homozygotes.

Submission:

Labcorp Genetics (formerly Invitae), Labcorp
Classification: Uncertain significance for Hereditary spastic paraplegia 11. Last evaluated: 2021-08-13. Review status: criteria provided, single submitter. Criteria: Invitae Variant Classification Sherloc (09022015). Collection method: clinical testing. Allele origin: germline.
Comment: This sequence change replaces aspartic acid with asparagine at codon 1947 of the SPG11 protein (p.Asp1947Asn). The aspartic acid residue is weakly conserved and there is a small physicochemical difference between aspartic acid and asparagine. This variant is present in population databases (rs751801619, ExAC 0.01%). This variant has not been reported in the literature in individuals affected with SPG11-related conditions. Algorithms developed to predict the effect of missense changes on protein structure and function (SIFT, PolyPhen-2, Align-GVGD) all suggest that this variant is likely to be tolerated. In summary, the available evidence is currently insufficient to determine the role of this variant in disease. Therefore, it has been classified as a Variant of Uncertain Significance.

NM_025137.4(SPG11):c.5839G>A (p.Asp1947Asn)

Gene: SPG11 (SPG11 vesicle trafficking associated, spatacsin; minus strand). Cytogenetic location: 15q21.1.
Variant type: single nucleotide variant.
Coding change: c.5839G>A on transcript NM_025137.4 (MANE Select); coding-DNA position 5839, G replaced by A.
Protein change: p.Asp1947Asn; replaces aspartic acid 1947 with asparagine.
Molecular consequence: missense variant.
Genome position (GRCh38, 1-based): chr15:44,583,841, C>T on the plus strand (G>A on the coding strand, the complement: SPG11 is on the minus strand). VCF-style: chr15-44583841-C-T. GRCh37 (hg19) VCF-style: chr15-44876039-C-T.
Other names: c.5839G>A, p.Asp1947Asn (NM_001160227.2); short protein forms D1947N.
Identifiers: ClinVar variation 466547 (VCV000466547.8), dbSNP rs751801619, ClinGen allele CA7534337.